The following is an entry in ClinVar:

ClinVar aggregate classification (germline): Uncertain significance. Review status: criteria provided, multiple submitters, no conflicts (2 of 4 stars). 2 submissions from 2 submitters: Uncertain significance (2). Last evaluated 2025-08-08.

Conditions:
Inborn genetic diseases. Identifiers: MedGen C0950123, MeSH D030342.

Allele frequency attached by ClinVar (database versions not stated): gnomAD exomes below 0.00001; ExAC 0.00001; gnomAD 0.00001.

Submissions (2):

Ambry Genetics
Classification: Uncertain significance for Inborn genetic diseases. Last evaluated: 2025-08-08. Review status: criteria provided, single submitter. Criteria: Ambry Variant Classification Scheme 2023. Collection method: clinical testing. Allele origin: germline.

Labcorp Genetics (formerly Invitae), Labcorp
Classification: Uncertain significance. Last evaluated: 2022-08-17. Review status: criteria provided, single submitter. Criteria: Invitae Variant Classification Sherloc (09022015). Collection method: clinical testing. Allele origin: germline.
Comment: This sequence change replaces serine, which is neutral and polar, with phenylalanine, which is neutral and non-polar, at codon 42 of the PDSS2 protein (p.Ser42Phe). This variant is present in population databases (rs763187675, gnomAD 0.0009%). This variant has not been reported in the literature in individuals affected with PDSS2-related conditions. Algorithms developed to predict the effect of missense changes on protein structure and function output the following: SIFT: "Deleterious"; PolyPhen-2: "Benign"; Align-GVGD: "Class C0". The phenylalanine amino acid residue is found in multiple mammalian species, which suggests that this missense change does not adversely affect protein function. In summary, the available evidence is currently insufficient to determine the role of this variant in disease. Therefore, it has been classified as a Variant of Uncertain Significance.

NM_020381.4(PDSS2):c.125C>T (p.Ser42Phe)

Gene: PDSS2 (decaprenyl diphosphate synthase subunit 2; minus strand). Cytogenetic location: 6q21.
Variant type: single nucleotide variant.
Coding change: c.125C>T on transcript NM_020381.4 (MANE Select); coding-DNA position 125, C replaced by T.
Protein change: p.Ser42Phe; replaces serine 42 with phenylalanine.
Molecular consequence: missense variant.
Genome position (GRCh38, 1-based): chr6:107,459,161, G>A on the plus strand (C>T on the coding strand, the complement: PDSS2 is on the minus strand). VCF-style: chr6-107459161-G-A. GRCh37 (hg19) VCF-style: chr6-107780365-G-A.
Other names: c.125C>T (NM_020381.3); short protein forms S42F.
Identifiers: ClinVar variation 2419676 (VCV002419676.3), dbSNP rs763187675, ClinGen allele CA3946193.